The following is an entry in ClinVar:

NM_016180.5(SLC45A2):c.1305dup (p.Ser436fs)

Gene: SLC45A2 (solute carrier family 45 member 2; minus strand). Cytogenetic location: 5p13.2.
Variant type: Duplication.
Coding change: c.1305dup on transcript NM_016180.5 (MANE Select); coding-DNA position 1305, one base duplicated (C; older notation c.1305dupC).
Protein change: p.Ser436fs; shifts the reading frame from serine 436.
Molecular consequence: frameshift variant.
Genome position (GRCh38, 1-based): chr5:33,947,226, G duplicated on the plus strand (C on the coding strand, the reverse complement: SLC45A2 is on the minus strand); the first of 2 consecutive G bases (chr5:33,947,226-33,947,227); duplicating either gives the same sequence. VCF-style (leftmost placement, unchanged base first): chr5-33947225-T-TG. GRCh37 (hg19) VCF-style: chr5-33947330-T-TG.
Other names: c.1305dup, p.Ser436fs (NM_001012509.4); short protein forms S436fs.
Identifiers: ClinVar variation 1397714 (VCV001397714.8), dbSNP rs953016593, ClinGen allele CA116874154.
Genomic context (GRCh38, chr5:33,947,225, plus strand): 5'-CCTTTTCTTCCTCGCGGTGGTACTCAGTAATGAGGTTAAAGGGCACAGTGTACAGGGTGC[T>TG]GGACATTACACCAAACAGGCTGCACAGGACCAGGGTGGAGTAGACATTCGGGAAGAGCCC-3'

ClinVar aggregate classification (germline): Pathogenic (1 of 4 stars; one submission).

Submission:

Labcorp Genetics (formerly Invitae), Labcorp
Classification: Pathogenic. Last evaluated: 2022-06-04. Review status: criteria provided, single submitter. Criteria: Invitae Variant Classification Sherloc (09022015). Collection method: clinical testing. Allele origin: germline.
Comment: Algorithms developed to predict the effect of sequence changes on RNA splicing suggest that this variant may disrupt the consensus splice site. For these reasons, this variant has been classified as Pathogenic. This variant disrupts a region of the SLC45A2 protein in which other variant(s) (p.Val469*) have been determined to be pathogenic (PMID: 14961451; Invitae). This suggests that this is a clinically significant region of the protein, and that variants that disrupt it are likely to be disease-causing. ClinVar contains an entry for this variant (Variation ID: 1397714). This variant has not been reported in the literature in individuals affected with SLC45A2-related conditions. This variant is not present in population databases (gnomAD no frequency). This sequence change creates a premature translational stop signal (p.Ser436Glnfs*9) in the SLC45A2 gene. While this is not anticipated to result in nonsense mediated decay, it is expected to disrupt the last 95 amino acid(s) of the SLC45A2 protein.

Literature cited by the submitters: PubMed 14961451.